The following is an entry in ClinVar:

ClinVar aggregate classification (germline): Likely pathogenic (1 of 4 stars; one submission).

Conditions:
Severe intellectual disability-poor language-strabismus-grimacing face-long fingers syndrome (GAND). Also called: GAND SYNDROME. Identifiers: Orphanet 363686, MedGen C3554448, MONDO:0014034, OMIM 615074.

Submission:

Johns Hopkins Genomics, Johns Hopkins University
Classification: Likely pathogenic for Severe intellectual disability-poor language-strabismus-grimacing face-long fingers syndrome. Last evaluated: 2019-09-19. Review status: criteria provided, single submitter. Criteria: ACMG Guidelines, 2015. Collection method: clinical testing. Allele origin: germline.
Comment: This GATAD2B variant is absent from a large population dataset and has not been reported in the literature, to our knowledge. This nonsense variant results in a premature stop codon in exon 1 likely leading to nonsense-mediated decay and lack of protein production. Further, this variant occurs upstream of all previously reported disease-associated variants.

NM_020699.4(GATAD2B):c.91C>T (p.Arg31Ter)

Gene: GATAD2B (GATA zinc finger domain containing 2B; minus strand). Cytogenetic location: 1q21.3.
Variant type: single nucleotide variant.
Coding change: c.91C>T on transcript NM_020699.4 (MANE Select); coding-DNA position 91, C replaced by T.
Protein change: p.Arg31Ter; replaces arginine 31 with a stop codon.
Molecular consequence: nonsense.
Genome position (GRCh38, 1-based): chr1:153,828,257, G>A on the plus strand (C>T on the coding strand, the complement: GATAD2B is on the minus strand). VCF-style: chr1-153828257-G-A. GRCh37 (hg19) VCF-style: chr1-153800733-G-A.
Other names: short protein forms R31*.
Identifiers: ClinVar variation 816673 (VCV000816673.1), dbSNP rs1570938113, ClinGen allele CA342541660.